The following is an entry in ClinVar:

ClinVar aggregate classification (germline): Uncertain significance (1 of 4 stars; one submission).

Allele frequency attached by ClinVar (database versions not stated): gnomAD exomes 0.00002; TOPMed 0.00002; gnomAD 0.00003.
gnomAD v4.1: 41 of 1,613,616 alleles (0.0025%); highest among the groups gnomAD compares: Non-Finnish European, 0.0029%; no homozygotes.

Submission:

Labcorp Genetics (formerly Invitae), Labcorp
Classification: Uncertain significance. Last evaluated: 2024-05-01. Review status: criteria provided, single submitter. Criteria: Invitae Variant Classification Sherloc (09022015). Collection method: clinical testing. Allele origin: germline.
Comment: This sequence change replaces glycine, which is neutral and non-polar, with cysteine, which is neutral and slightly polar, at codon 318 of the VCAN protein (p.Gly318Cys). This variant is present in population databases (no rsID available, gnomAD 0.003%). This variant has not been reported in the literature in individuals affected with VCAN-related conditions. An algorithm developed to predict the effect of missense changes on protein structure and function (PolyPhen-2) suggests that this variant is likely to be disruptive. In summary, the available evidence is currently insufficient to determine the role of this variant in disease. Therefore, it has been classified as a Variant of Uncertain Significance.

NM_004385.5(VCAN):c.952G>T (p.Gly318Cys)

Gene: VCAN (versican; plus strand). Cytogenetic location: 5q14.3.
Variant type: single nucleotide variant.
Coding change: c.952G>T on transcript NM_004385.5 (MANE Select); coding-DNA position 952, G replaced by T.
Protein change: p.Gly318Cys; replaces glycine 318 with cysteine.
Molecular consequence: missense variant.
Genome position (GRCh38, 1-based): chr5:83,512,306, G>T. VCF-style: chr5-83512306-G-T. GRCh37 (hg19) VCF-style: chr5-82808125-G-T.
Other names: c.952G>T, p.Gly318Cys (NM_001126336.3, NM_001164097.2, NM_001164098.2); short protein forms G318C.
Identifiers: ClinVar variation 2872300 (VCV002872300.3), dbSNP rs1025294202, ClinGen allele CA121785249.